The following is an entry in ClinVar:

ClinVar aggregate classification (germline): Pathogenic (1 of 4 stars; one submission).

Conditions:
Capillary malformation-arteriovenous malformation syndrome. Also called: Capillary malformation-arteriovenous malformation. Identifiers: Orphanet 137667, MedGen C1842180, MONDO:0012016.

Submission:

Labcorp Genetics (formerly Invitae), Labcorp
Classification: Pathogenic for Capillary malformation-arteriovenous malformation. Last evaluated: 2019-04-29. Review status: criteria provided, single submitter. Criteria: Invitae Variant Classification Sherloc (09022015). Collection method: clinical testing. Allele origin: germline.
Comment: This sequence change creates a premature translational stop signal (p.Glu728*) in the RASA1 gene. It is expected to result in an absent or disrupted protein product. This variant is not present in population databases (ExAC no frequency). This variant has not been reported in the literature in individuals with RASA1-related conditions. Loss-of-function variants in RASA1 are known to be pathogenic (PMID: 24038909). For these reasons, this variant has been classified as Pathogenic.

NM_002890.3(RASA1):c.2182G>T (p.Glu728Ter)

Genes: CCNH (cyclin H; minus strand), RASA1 (RAS p21 protein activator 1; plus strand). Cytogenetic location: 5q14.3.
Variant type: single nucleotide variant.
Coding change: c.2182G>T on transcript NM_002890.3 (MANE Select); coding-DNA position 2182, G replaced by T.
Protein change: p.Glu728Ter; replaces glutamic acid 728 with a stop codon.
Molecular consequence: nonsense. On other transcripts: intron variant (1).
Genome position (GRCh38, 1-based): chr5:87,376,563, G>T. VCF-style: chr5-87376563-G-T. GRCh37 (hg19) VCF-style: chr5-86672380-G-T.
Other names: c.1651G>T, p.Glu551Ter (NM_022650.3); c.933+18481C>A (NM_001364075.2); short protein forms E728*, E551*.
Identifiers: ClinVar variation 952946 (VCV000952946.3), dbSNP rs1761341113, ClinGen allele CA360379756.